The following is an entry in ClinVar:

NM_001244008.2(KIF1A):c.2023-4G>C

Gene: KIF1A (kinesin family member 1A; minus strand). Cytogenetic location: 2q37.3.
Variant type: single nucleotide variant.
Coding change: c.2023-4G>C on transcript NM_001244008.2 (MANE Select); 4 bases into the intron before coding-DNA position 2023, G replaced by C.
Molecular consequence: intron variant.
Genome position (GRCh38, 1-based): chr2:240,762,816, C>G on the plus strand (G>C on the coding strand, the complement: KIF1A is on the minus strand). VCF-style: chr2-240762816-C-G. GRCh37 (hg19) VCF-style: chr2-241702233-C-G.
Other names: c.1996-4G>C (NM_001379653.1, NM_001379650.1, NM_001379645.1 and 10 more transcripts); c.2098-4G>C (NM_001379635.1, NM_001330290.2, NM_001379646.1 and 2 more transcripts); c.2071-4G>C (NM_001379637.1, NM_001379648.1); c.2023-4G>C (NM_001320705.2, NM_001379638.1, NM_001330289.2).
Identifiers: ClinVar variation 4085569 (VCV004085569.8).

ClinVar aggregate classification (germline): Uncertain significance (1 of 4 stars; one submission).

Submission:

CeGaT Center for Human Genetics Tuebingen
Classification: Uncertain significance. Last evaluated: 2025-07-01. Review status: criteria provided, single submitter. Criteria: CeGaT Center For Human Genetics Tuebingen Variant Classification Criteria Version 2. Collection method: clinical testing. Allele origin: germline. Affected: yes. Observed: 1 variant allele.
Comment: KIF1A: PM2, BP4